The following is an entry in ClinVar:

ClinVar aggregate classification (germline): Pathogenic (1 of 4 stars; one submission).

Conditions:
Inborn genetic diseases. Identifiers: MedGen C0950123, MeSH D030342.

Submission:

Ambry Genetics
Classification: Pathogenic for Inborn genetic diseases. Last evaluated: 2025-05-13. Review status: criteria provided, single submitter. Criteria: Ambry Variant Classification Scheme 2023. Collection method: clinical testing. Allele origin: germline.
Comment: The p.Q368* pathogenic mutation (also known as c.1102C>T), located in coding exon 11 of the DDX41 gene, results from a C to T substitution at nucleotide position 1102. This changes the amino acid from a glutamine to a stop codon within coding exon 11. This variant has been reported in an individual with myelodysplastic syndrome (Alkhateeb HB et al. Blood Adv, 2022 Jan;6:528-532). This variant is considered to be rare based on population cohorts in the Genome Aggregation Database (gnomAD). This alteration is expected to result in loss of function by premature protein truncation or nonsense-mediated mRNA decay. As such, this alteration is interpreted as a disease-causing mutation.

Literature cited by the submitters: PubMed 34644397.

NM_016222.4(DDX41):c.1102C>T (p.Gln368Ter)

Gene: DDX41 (DEAD-box helicase 41; minus strand). Cytogenetic location: 5q35.3.
Variant type: single nucleotide variant.
Coding change: c.1102C>T on transcript NM_016222.4 (MANE Select); coding-DNA position 1102, C replaced by T.
Protein change: p.Gln368Ter; replaces glutamine 368 with a stop codon.
Molecular consequence: nonsense.
Genome position (GRCh38, 1-based): chr5:177,513,481, G>A on the plus strand (C>T on the coding strand, the complement: DDX41 is on the minus strand). VCF-style: chr5-177513481-G-A. GRCh37 (hg19) VCF-style: chr5-176940482-G-A.
Other names: c.724C>T, p.Gln242Ter (NM_001321732.2, NM_001321830.2); short protein forms Q242*, Q368*.
Identifiers: ClinVar variation 4010242 (VCV004010242.1).